The following is an entry in ClinVar:

ClinVar aggregate classification (germline): Conflicting classifications of pathogenicity. Review status: criteria provided, conflicting classifications (1 of 4 stars). 9 submissions from 9 submitters: Uncertain significance (2); Likely benign (5). 2 of the submissions do not count toward it. Last evaluated 2026-05-11.

Conditions:
Hereditary cancer-predisposing syndrome. Also called: Tumor predisposition; Neoplastic Syndromes, Hereditary; Hereditary neoplastic syndrome; Hereditary Cancer Syndrome. Identifiers: Orphanet 140162, MedGen C0027672, MeSH D009386, MONDO:0015356.
Gorlin syndrome. Also called: Nevoid Basal Cell Carcinoma Syndrome; Basal cell nevus syndrome. Identifiers: Orphanet 377, MedGen C0004779, MONDO:0007187.
PTCH1-related disorder. Also called: PTCH1-related disorders; PTCH1-related condition.

Allele frequency attached by ClinVar (database versions not stated): TOPMed 0.00005; ESP Exome Variant Server 0.00008; gnomAD 0.00010.
gnomAD v4.1: 148 of 1,613,990 alleles (0.0092%); highest among the groups gnomAD compares: Non-Finnish European, 0.011%; no homozygotes.

Submissions (9):

PreventionGenetics, part of Exact Sciences
Classification: Likely benign for PTCH1-related condition. Last evaluated: 2026-05-11. Review status: criteria provided, single submitter. Criteria: ACMG Guidelines, 2015. Collection method: clinical testing. Allele origin: germline.
Comment: This variant is classified as likely benign based on ACMG/AMP sequence variant interpretation guidelines (Richards et al. 2015 PMID: 25741868, with internal and published modifications).

Labcorp Genetics (formerly Invitae), Labcorp
Classification: Likely benign for Gorlin syndrome. Last evaluated: 2026-01-25. Review status: criteria provided, single submitter. Criteria: Invitae Variant Classification Sherloc (09022015). Collection method: clinical testing. Allele origin: germline.

CeGaT Center for Human Genetics Tuebingen
Classification: Likely benign. Last evaluated: 2025-09-01. Review status: criteria provided, single submitter. Criteria: CeGaT Center For Human Genetics Tuebingen Variant Classification Criteria Version 2. Collection method: clinical testing. Allele origin: germline. Affected: yes. Observed: 1 variant allele.
Comment: PTCH1: BP4

Quest Diagnostics Nichols Institute San Juan Capistrano
Classification: Uncertain significance. Last evaluated: 2025-01-03. Review status: criteria provided, single submitter. Criteria: Quest Diagnostics criteria. Collection method: clinical testing. Allele origin: unknown.
Comment: The PTCH1 c.1234G>T (p.Ala412Ser) variant has been reported in the published literature in an individual with osteosarcoma (PMID: 32191290 (2020)). The frequency of this variant in the general population (Genome Aggregation Database) is higher than would generally be expected for pathogenic variants in this gene. Analysis of this variant using bioinformatics tools for the prediction of the effect of amino acid changes on protein structure and function yielded conflicting predictions that this variant is deleterious or benign. Based on the available information, we are unable to determine the clinical significance of this variant.

Ambry Genetics
Classification: Likely benign for Hereditary cancer-predisposing syndrome. Last evaluated: 2020-03-16. Review status: criteria provided, single submitter. Criteria: Ambry Variant Classification Scheme 2023. Collection method: clinical testing. Allele origin: germline.

GeneDx
Classification: Likely benign. Last evaluated: 2020-02-11. Review status: criteria provided, single submitter. Criteria: GeneDx Variant Classification Process June 2021. Collection method: clinical testing. Allele origin: germline. Affected: yes.
Comment: This variant is associated with the following publications: (PMID: 16508594, 25637381)

CSER _CC_NCGL, University of Washington
Classification: Uncertain significance for Nevoid basal cell carcinoma syndrome. Last evaluated: 2014-06-01. Review status: criteria provided, single submitter. Criteria: Amendola et al. (Genome Res. 2015). Collection method: research. Allele origin: germline. Inheritance: Autosomal dominant inheritance. Study: ESP 6500 variant annotation.
Comment: Low GERP score may suggest that this variant may belong in a lower pathogenicity class

Variants classified for the Actionable exomic incidental findings in 6503 participants: challenges of variant classification manuscript

Clinical Genetics DNA and cytogenetics Diagnostics Lab, Erasmus MC, Erasmus Medical Center
Classification: Likely benign. Review status: no assertion criteria provided. Collection method: clinical testing. Allele origin: germline. Affected: yes. Study: VKGL Data-share Consensus. Not counted in ClinVar's aggregate classification.

Diagnostic Laboratory, Department of Genetics, University Medical Center Groningen
Classification: Likely benign. Review status: no assertion criteria provided. Collection method: clinical testing. Allele origin: germline. Affected: yes. Study: VKGL Data-share Consensus. Not counted in ClinVar's aggregate classification.

Literature cited by the submitters: PubMed 16508594 (cited by Quest Diagnostics Nichols Institute San Juan Capistrano and Ambry Genetics); PubMed 25637381 (cited by Quest Diagnostics Nichols Institute San Juan Capistrano and Ambry Genetics); PubMed 32191290 (cited by Quest Diagnostics Nichols Institute San Juan Capistrano); PubMed 25525159 (cited by Ambry Genetics).

NM_000264.5(PTCH1):c.1234G>T (p.Ala412Ser)

Gene: PTCH1 (patched 1; minus strand). Cytogenetic location: 9q22.32.
Variant type: single nucleotide variant.
Coding change: c.1234G>T on transcript NM_000264.5 (MANE Select); coding-DNA position 1234, G replaced by T.
Protein change: p.Ala412Ser; replaces alanine 412 with serine.
Molecular consequence: missense variant. On other transcripts: non-coding transcript variant (1).
Genome position (GRCh38, 1-based): chr9:95,478,168, C>A on the plus strand (G>T on the coding strand, the complement: PTCH1 is on the minus strand). VCF-style: chr9-95478168-C-A. GRCh37 (hg19) VCF-style: chr9-98240450-C-A.
Other names: c.1036G>T, p.Ala346Ser (NM_001083602.3); c.1231G>T, p.Ala411Ser (NM_001083603.3); c.781G>T, p.Ala261Ser (NM_001083604.3, NM_001083605.3, NM_001083606.3 and 1 more transcripts); c.1234G>T, p.Ala412Ser (NM_001354918.2); c.1234G>T (NM_000264.4); short protein forms A346S, A412S, A411S, A261S.
Identifiers: ClinVar variation 161357 (VCV000161357.33), dbSNP rs370354759, ClinGen allele CA272951.